The following is an entry in ClinVar:

NM_004821.3(HAND1):c.473A>T (p.Asp158Val)

Gene: HAND1 (heart and neural crest derivatives expressed 1; minus strand). Cytogenetic location: 5q33.2.
Variant type: single nucleotide variant.
Coding change: c.473A>T on transcript NM_004821.3 (MANE Select); coding-DNA position 473, A replaced by T.
Protein change: p.Asp158Val; replaces aspartic acid 158 with valine.
Molecular consequence: missense variant.
Genome position (GRCh38, 1-based): chr5:154,477,536, T>A on the plus strand (A>T on the coding strand, the complement: HAND1 is on the minus strand). VCF-style: chr5-154477536-T-A. GRCh37 (hg19) VCF-style: chr5-153857096-T-A.
Other names: short protein forms D158V.
Identifiers: ClinVar variation 2815171 (VCV002815171.3), dbSNP rs2532476882, ClinGen allele CA361921799.

ClinVar aggregate classification (germline): Uncertain significance (1 of 4 stars; one submission).

Conditions:
Hypoplastic left heart syndrome. Also called: Hypoplastic left heart; Hypoplastic left ventricle. Identifiers: Orphanet 2248, MedGen C0152101, MONDO:0004933, HP:0004383.

Submission:

Labcorp Genetics (formerly Invitae), Labcorp
Classification: Uncertain significance for Hypoplastic left heart syndrome. Last evaluated: 2022-11-19. Review status: criteria provided, single submitter. Criteria: Invitae Variant Classification Sherloc (09022015). Collection method: clinical testing. Allele origin: germline.
Comment: This variant is not present in population databases (gnomAD no frequency). In summary, the available evidence is currently insufficient to determine the role of this variant in disease. Therefore, it has been classified as a Variant of Uncertain Significance. Algorithms developed to predict the effect of missense changes on protein structure and function are either unavailable or do not agree on the potential impact of this missense change (SIFT: "Deleterious"; PolyPhen-2: "Benign"; Align-GVGD: "Class C0"). This variant has not been reported in the literature in individuals affected with HAND1-related conditions. This sequence change replaces aspartic acid, which is acidic and polar, with valine, which is neutral and non-polar, at codon 158 of the HAND1 protein (p.Asp158Val).